The following is an entry in ClinVar:

NM_006231.4(POLE):c.909+20G>A

Gene: POLE (DNA polymerase epsilon, catalytic subunit; minus strand). Cytogenetic location: 12q24.33.
Variant type: single nucleotide variant.
Coding change: c.909+20G>A on transcript NM_006231.4 (MANE Select); 20 bases into the intron after coding-DNA position 909, G replaced by A.
Molecular consequence: intron variant.
Genome position (GRCh38, 1-based): chr12:132,676,526, C>T on the plus strand (G>A on the coding strand, the complement: POLE is on the minus strand). VCF-style: chr12-132676526-C-T. GRCh37 (hg19) VCF-style: chr12-133253112-C-T.
Identifiers: ClinVar variation 508249 (VCV000508249.9), dbSNP rs750593090, ClinGen allele CA246299077.

ClinVar aggregate classification (germline): Likely benign. Review status: criteria provided, multiple submitters, no conflicts (2 of 4 stars). 3 submissions from 3 submitters: Likely benign (2). 1 of the submissions does not count toward it. Last evaluated 2025-08-31.

Conditions:
Colorectal cancer, susceptibility to, 12 (CRCS12). Also called: COLORECTAL CANCER, SUSCEPTIBILITY TO, ON CHROMOSOME 12q24. Identifiers: Orphanet 220460, MedGen C3554460, MONDO:0014038, OMIM 615083.

Allele frequency attached by ClinVar (database versions not stated): TOPMed below 0.00001; gnomAD exomes 0.00002.
gnomAD v4.1: 22 of 1,540,602 alleles (0.0014%); highest among the groups gnomAD compares: Admixed American, 0.0033%; no homozygotes.

Submissions (3):

Labcorp Genetics (formerly Invitae), Labcorp
Classification: Likely benign. Last evaluated: 2025-08-31. Review status: criteria provided, single submitter. Criteria: Invitae Variant Classification Sherloc (09022015). Collection method: clinical testing. Allele origin: germline.

GeneDx
Classification: Likely benign. Last evaluated: 2017-03-19. Review status: criteria provided, single submitter. Criteria: GeneDx Variant Classification (06012015). Collection method: clinical testing. Allele origin: germline. Affected: yes.
Comment: This variant is considered likely benign or benign based on one or more of the following criteria: it is a conservative change, it occurs at a poorly conserved position in the protein, it is predicted to be benign by multiple in silico algorithms, and/or has population frequency not consistent with disease.

Counsyl
Classification: Likely benign for Colorectal cancer, susceptibility to, 12. Last evaluated: 2017-02-06. Review status: no assertion criteria provided. Collection method: clinical testing. Allele origin: unknown. Not counted in ClinVar's aggregate classification.